The following is an entry in ClinVar:

ClinVar aggregate classification (germline): Uncertain significance. Review status: criteria provided, multiple submitters, no conflicts (2 of 4 stars). 4 submissions from 4 submitters: Uncertain significance (4). Last evaluated 2026-03-19.

Conditions:
Familial cancer of breast. Also called: BREAST CANCER, FAMILIAL; Hereditary breast cancer; hereditary breast carcinoma. Identifiers: Orphanet 227535, MedGen C0346153, MONDO:0016419, OMIM 114480. Disease mechanism: loss of function.
Hereditary cancer-predisposing syndrome. Also called: Hereditary Cancer Syndrome; Neoplastic Syndromes, Hereditary; Tumor predisposition; Hereditary neoplastic syndrome. Identifiers: Orphanet 140162, MedGen C0027672, MeSH D009386, MONDO:0015356.

Submissions (4):

Women's Health and Genetics/Laboratory Corporation of America, LabCorp
Classification: Uncertain significance. Last evaluated: 2026-03-19. Review status: criteria provided, single submitter. Criteria: LabCorp Variant Classification Summary - May 2015. Collection method: clinical testing. Allele origin: germline.

Labcorp Genetics (formerly Invitae), Labcorp
Classification: Uncertain significance for Familial cancer of breast. Last evaluated: 2025-04-14. Review status: criteria provided, single submitter. Criteria: Invitae Variant Classification Sherloc (09022015). Collection method: clinical testing. Allele origin: germline.
Comment: This sequence change replaces glycine, which is neutral and non-polar, with serine, which is neutral and polar, at codon 1166 of the PALB2 protein (p.Gly1166Ser). This variant is not present in population databases (gnomAD no frequency). This variant has not been reported in the literature in individuals affected with PALB2-related conditions. ClinVar contains an entry for this variant (Variation ID: 860740). An algorithm developed to predict the effect of missense changes on protein structure and function outputs the following: PolyPhen-2: "Benign". The serine amino acid residue is found in multiple mammalian species, which suggests that this missense change does not adversely affect protein function. In summary, the available evidence is currently insufficient to determine the role of this variant in disease. Therefore, it has been classified as a Variant of Uncertain Significance.

Color Diagnostics, LLC DBA Color Health
Classification: Uncertain significance for Hereditary cancer-predisposing syndrome. Last evaluated: 2023-03-28. Review status: criteria provided, single submitter. Criteria: ACMG Guidelines, 2015. Collection method: clinical testing. Allele origin: germline.
Comment: This missense variant replaces glycine with serine at codon 1166 of the PALB2 protein. Computational prediction suggests that this variant may not impact protein structure and function (internally defined REVEL score threshold <= 0.5, PMID: 27666373). To our knowledge, functional studies have not been reported for this variant. This variant has not been reported in individuals affected with PALB2-related disorders in the literature. This variant has not been identified in the general population by the Genome Aggregation Database (gnomAD). The available evidence is insufficient to determine the role of this variant in disease conclusively. Therefore, this variant is classified as a Variant of Uncertain Significance.

CeGaT Center for Human Genetics Tuebingen
Classification: Uncertain significance. Last evaluated: 2022-11-01. Review status: criteria provided, single submitter. Criteria: CeGaT Center For Human Genetics Tuebingen Variant Classification Criteria Version 2. Collection method: clinical testing. Allele origin: germline. Affected: yes. Observed: 1 variant allele.
Comment: PALB2: PM2, BP1, BP4

NM_024675.4(PALB2):c.3496G>A (p.Gly1166Ser)

Gene: PALB2 (partner and localizer of BRCA2; minus strand). Cytogenetic location: 16p12.2.
Variant type: single nucleotide variant.
Coding change: c.3496G>A on transcript NM_024675.4 (MANE Select); coding-DNA position 3496, G replaced by A.
Protein change: p.Gly1166Ser; replaces glycine 1166 with serine.
Molecular consequence: missense variant.
Genome position (GRCh38, 1-based): chr16:23,603,524, C>T on the plus strand (G>A on the coding strand, the complement: PALB2 is on the minus strand). VCF-style: chr16-23603524-C-T. GRCh37 (hg19) VCF-style: chr16-23614845-C-T.
Other names: short protein forms G1166S.
Identifiers: ClinVar variation 860740 (VCV000860740.39), dbSNP rs1966397121, ClinGen allele CA395137918.